The following is an entry in ClinVar:

NM_000179.3(MSH6):c.3794del (p.Gly1265fs)

Gene: MSH6 (mutS homolog 6; plus strand). Cytogenetic location: 2p16.3.
Variant type: Deletion.
Coding change: c.3794del on transcript NM_000179.3 (MANE Select); coding-DNA position 3794, one base deleted (G; older notation c.3794delG).
Protein change: p.Gly1265fs; shifts the reading frame from glycine 1265.
Molecular consequence: frameshift variant. On other transcripts: non-coding transcript variant (5).
Genome position (GRCh38, 1-based): chr2:47,806,351, G deleted; the last of 2 consecutive G bases (chr2:47,806,350-47,806,351); deleting either gives the same sequence. VCF-style (leftmost placement, unchanged base first): chr2-47806349-AG-A. GRCh37 (hg19) VCF-style: chr2-48033488-AG-A.
Other names: c.3404del, p.Gly1135fs (NM_001281492.2); c.2888del, p.Gly963fs (NM_001281493.2, NM_001281494.2, NM_001406811.1 and 6 more transcripts); c.3890del, p.Gly1297fs (NM_001406795.1, NM_001406802.1); c.3794del, p.Gly1265fs (NM_001406796.1, NM_001406800.1, NM_001406808.1 and 1 more transcripts); c.3497del, p.Gly1166fs (NM_001406797.1, NM_001406801.1, NM_001406805.1 and 10 more transcripts); c.3620del, p.Gly1207fs (NM_001406798.1); c.3269del, p.Gly1090fs (NM_001406799.1, NM_001406806.1, NM_001406807.1); c.2930del, p.Gly977fs (NM_001406803.1); and 7 more; short protein forms G1090fs, G1135fs, G1166fs, G1207fs, G1209fs, G1239fs, G1265fs, G1267fs.
Identifiers: ClinVar variation 2673604 (VCV002673604.2), dbSNP rs1572745322, ClinGen allele CA2695200618.
Genomic context (GRCh38, chr2:47,806,349, plus strand): 5'-ATTTTCAACTCACTACCATTCATTAGTAGAAGATTATTCTCAAAATGTTGCTGTGCGCCT[AG>A]GACATATGGTATGTGCAAATTGTTTTTTTCCACAAATTCGGTTTTTTGAGAGGGCACTTC-3'

ClinVar aggregate classification (germline): Pathogenic. Review status: criteria provided, multiple submitters, no conflicts (2 of 4 stars). 2 submissions from 2 submitters: Pathogenic (2). Last evaluated 2024-08-23.

Conditions:
Hereditary cancer-predisposing syndrome. Also called: Tumor predisposition; Hereditary neoplastic syndrome; Neoplastic Syndromes, Hereditary; Hereditary Cancer Syndrome. Identifiers: Orphanet 140162, MedGen C0027672, MeSH D009386, MONDO:0015356.
Lynch syndrome 5 (LYNCH5). Also called: Colorectal cancer, hereditary nonpolyposis, type 5; Hereditary non-polyposis colorectal cancer, type 5. Identifiers: Orphanet 144, MedGen C1833477, MONDO:0013710, OMIM 614350. Disease mechanism: loss of function.

Submissions (2):

Ambry Genetics
Classification: Pathogenic for Hereditary cancer-predisposing syndrome. Last evaluated: 2024-08-23. Review status: criteria provided, single submitter. Criteria: Ambry Variant Classification Scheme 2023. Collection method: clinical testing. Allele origin: germline.
Comment: The c.3794delG pathogenic mutation, located in coding exon 8 of the MSH6 gene, results from a deletion of one nucleotide at nucleotide position 3794, causing a translational frameshift with a predicted alternate stop codon (p.G1265Dfs*7). This variant is considered to be rare based on population cohorts in the Genome Aggregation Database (gnomAD). This alteration is expected to result in loss of function by premature protein truncation or nonsense-mediated mRNA decay. As such, this alteration is interpreted as a disease-causing mutation.

Myriad Genetics, Inc.
Classification: Pathogenic for Lynch syndrome 5. Last evaluated: 2023-08-25. Review status: criteria provided, single submitter. Criteria: Myriad Autosomal Dominant, Autosomal Recessive and X-Linked Classification Criteria (2023). Collection method: clinical testing. Allele origin: unknown.
Comment: This variant is considered pathogenic. This variant creates a frameshift predicted to result in premature protein truncation.